The following is an entry in ClinVar:

ClinVar aggregate classification (germline): Pathogenic/Likely pathogenic. Review status: criteria provided, multiple submitters, no conflicts (2 of 4 stars). 2 submissions from 2 submitters: Pathogenic (1); Likely pathogenic (1). Last evaluated 2025-04-21.

Conditions:
Combined immunodeficiency due to LRBA deficiency. Also called: Common variable immunodeficiency 8, with autoimmunity. Identifiers: Orphanet 445018, MedGen C3553512, MONDO:0013863, OMIM 614700.

Submissions (2):

Labcorp Genetics (formerly Invitae), Labcorp
Classification: Likely pathogenic for Combined immunodeficiency due to LRBA deficiency. Last evaluated: 2025-04-21. Review status: criteria provided, single submitter. Criteria: Invitae Variant Classification Sherloc (09022015). Collection method: clinical testing. Allele origin: germline.
Comment: This sequence change affects a donor splice site in intron 2 of the LRBA gene. It is expected to disrupt RNA splicing. Variants that disrupt the donor or acceptor splice site typically lead to a loss of protein function (PMID: 16199547), and loss-of-function variants in LRBA are known to be pathogenic (PMID: 26206937, 26768763). This variant is not present in population databases (gnomAD no frequency). This variant has not been reported in the literature in individuals affected with LRBA-related conditions. ClinVar contains an entry for this variant (Variation ID: 2116579). Algorithms developed to predict the effect of sequence changes on RNA splicing suggest that this variant may disrupt the consensus splice site. In summary, the currently available evidence indicates that the variant is pathogenic, but additional data are needed to prove that conclusively. Therefore, this variant has been classified as Likely Pathogenic.

GeneDx
Classification: Pathogenic. Last evaluated: 2024-12-10. Review status: criteria provided, single submitter. Criteria: GeneDx Variant Classification Process June 2021. Collection method: clinical testing. Allele origin: germline. Affected: yes.
Comment: Not observed in large population cohorts (gnomAD); Has not been previously published as pathogenic or benign to our knowledge

Literature cited by the submitters: PubMed 16199547 (cited by Labcorp Genetics (formerly Invitae), Labcorp); PubMed 26206937 (cited by Labcorp Genetics (formerly Invitae), Labcorp); PubMed 26768763 (cited by Labcorp Genetics (formerly Invitae), Labcorp).

NM_001364905.1(LRBA):c.216+1G>C

Gene: LRBA (LPS responsive beige-like anchor protein; minus strand). Cytogenetic location: 4q31.3.
Variant type: single nucleotide variant.
Coding change: c.216+1G>C on transcript NM_001364905.1 (MANE Select); the canonical splice donor site of the intron after coding-DNA position 216, G replaced by C.
Molecular consequence: splice donor variant.
Genome position (GRCh38, 1-based): chr4:151,014,426, C>G on the plus strand (G>C on the coding strand, the complement: LRBA is on the minus strand). VCF-style: chr4-151014426-C-G. GRCh37 (hg19) VCF-style: chr4-151935578-C-G.
Other names: c.216+1G>C (NM_001367550.1, NM_006726.5, NM_001199282.3 and 2 more transcripts).
Identifiers: ClinVar variation 2116579 (VCV002116579.5), dbSNP rs2546907359, ClinGen allele CA358610718.
Genomic context (GRCh38, chr4:151,014,426, plus strand): 5'-AAGATCTTGTTCCCCAACCCACTGAAAAGAGTATATGCTTATAAAATATTCATGGACTTA[C>G]CAGGTTAAAGACAGTTTCTACAATATCCCTATTGGATACTTCTCCAACTTCAACCAAACC-3'